The following is an entry in ClinVar:

NM_001184.4(ATR):c.7283T>C (p.Leu2428Pro)

Gene: ATR (ATR checkpoint kinase; minus strand). Cytogenetic location: 3q23.
Variant type: single nucleotide variant.
Coding change: c.7283T>C on transcript NM_001184.4 (MANE Select); coding-DNA position 7283, T replaced by C.
Protein change: p.Leu2428Pro; replaces leucine 2428 with proline.
Molecular consequence: missense variant.
Genome position (GRCh38, 1-based): chr3:142,459,293, A>G on the plus strand (T>C on the coding strand, the complement: ATR is on the minus strand). VCF-style: chr3-142459293-A-G. GRCh37 (hg19) VCF-style: chr3-142178135-A-G.
Other names: c.7091T>C, p.Leu2364Pro (NM_001354579.2); short protein forms L2364P, L2428P.
Identifiers: ClinVar variation 1758077 (VCV001758077.2), dbSNP rs2108261615, ClinGen allele CA354797458.
Genomic context (GRCh38, chr3:142,459,293, plus strand): 5'-GTAGGATCAGGGAATGTTCTCAGAAACCACTCATGAAAAATAGGAGGATGCCTGGGCAGG[A>G]GAAATTCTCGGAATACTTTGAGTTTTTCAGATAAAGCTGCTGACTTTGGTAGCATACACT-3'
Protein context (NP_001175.2, residues 2418-2438): SEKLKVFREF[Leu2428Pro]LPRHPPIFHE

ClinVar aggregate classification (germline): Uncertain significance (1 of 4 stars; one submission).

Conditions:
Inborn genetic diseases. Identifiers: MedGen C0950123, MeSH D030342.

Submission:

Ambry Genetics
Classification: Uncertain significance for Inborn genetic diseases. Last evaluated: 2021-12-07. Review status: criteria provided, single submitter. Criteria: Ambry Variant Classification Scheme 2023. Collection method: clinical testing. Allele origin: germline.
Comment: The p.L2428P variant (also known as c.7283T>C), located in coding exon 43 of the ATR gene, results from a T to C substitution at nucleotide position 7283. The leucine at codon 2428 is replaced by proline, an amino acid with similar properties. This amino acid position is conserved. In addition, this alteration is predicted to be deleterious by in silico analysis. Since supporting evidence is limited at this time, the clinical significance of this alteration remains unclear.